The following is an entry in ClinVar:

NM_000038.6(APC):c.4766G>A (p.Arg1589His)

Gene: APC (APC regulator of Wnt signaling pathway; plus strand). Cytogenetic location: 5q22.2.
Variant type: single nucleotide variant.
Coding change: c.4766G>A on transcript NM_000038.6 (MANE Select); coding-DNA position 4766, G replaced by A.
Protein change: p.Arg1589His; replaces arginine 1589 with histidine.
Molecular consequence: missense variant.
Genome position (GRCh38, 1-based): chr5:112,840,360, G>A. VCF-style: chr5-112840360-G-A. GRCh37 (hg19) VCF-style: chr5-112176057-G-A.
Other names: p.R1589H:CGT>CAT; c.4766G>A, p.Arg1589His (NM_001127510.3, NM_001354895.2); c.4712G>A, p.Arg1571His (NM_001127511.3); c.4820G>A, p.Arg1607His (NM_001354896.2); c.4796G>A, p.Arg1599His (NM_001354897.2); c.4691G>A, p.Arg1564His (NM_001354898.2); c.4682G>A, p.Arg1561His (NM_001354899.2); c.4643G>A, p.Arg1548His (NM_001354900.2); and 6 more; short protein forms R1589H, R1571H, R1306H, R1530H, R1463H, R1548H, R1607H, R1429H.
Identifiers: ClinVar variation 127298 (VCV000127298.35), dbSNP rs374048423, ClinGen allele CA009743.
Genomic context (GRCh38, chr5:112,840,360, plus strand): 5'-ATGATGATATTGAAATACTAGAAGAATGTATTATTTCTGCCATGCCAACAAAGTCATCAC[G>A]TAAAGCAAAAAAGCCAGCCCAGACTGCTTCAAAATTACCTCCACCTGTGGCAAGGAAACC-3'
Protein context (NP_000029.2, residues 1579-1599): IISAMPTKSS[Arg1589His]KAKKPAQTAS

ClinVar aggregate classification (germline): Conflicting classifications of pathogenicity. Review status: criteria provided, conflicting classifications (1 of 4 stars). 9 submissions from 9 submitters: Uncertain significance (8); Benign (1). Last evaluated 2026-01-13.

Conditions:
Classic or attenuated familial adenomatous polyposis. Identifiers: MedGen CN372698, MONDO:0021057.
Hereditary cancer-predisposing syndrome. Also called: Hereditary Cancer Syndrome; Hereditary neoplastic syndrome; Tumor predisposition; Neoplastic Syndromes, Hereditary. Identifiers: Orphanet 140162, MedGen C0027672, MeSH D009386, MONDO:0015356.
Familial adenomatous polyposis 1 (FAP1). Also called: FAMILIAL ADENOMATOUS POLYPOSIS 1, ATTENUATED; POLYPOSIS, ADENOMATOUS INTESTINAL. Identifiers: MedGen C2713442, MONDO:0021056, OMIM 175100. Disease mechanism: loss of function.

Allele frequency attached by ClinVar (database versions not stated): ExAC 0.00001; gnomAD 0.00001; TOPMed 0.00003; ESP Exome Variant Server 0.00008.
gnomAD v4.1: 52 of 1,614,028 alleles (0.0032%); highest among the groups gnomAD compares: Non-Finnish European, 0.0042%; no homozygotes.

Submissions (9):

Labcorp Genetics (formerly Invitae), Labcorp
Classification: Uncertain significance for Familial adenomatous polyposis 1. Last evaluated: 2026-01-13. Review status: criteria provided, single submitter. Criteria: Invitae Variant Classification Sherloc (09022015). Collection method: clinical testing. Allele origin: germline.
Comment: This sequence change replaces arginine, which is basic and polar, with histidine, which is basic and polar, at codon 1589 of the APC protein (p.Arg1589His). This variant is not present in population databases (gnomAD no frequency). This missense change has been observed in individual(s) with breast cancer (PMID: 26976419). ClinVar contains an entry for this variant (Variation ID: 127298). Invitae Evidence Modeling of protein sequence and biophysical properties (such as structural, functional, and spatial information, amino acid conservation, physicochemical variation, residue mobility, and thermodynamic stability) indicates that this missense variant is not expected to disrupt APC protein function with a negative predictive value of 95%. In summary, the available evidence is currently insufficient to determine the role of this variant in disease. Therefore, it has been classified as a Variant of Uncertain Significance.

Color Diagnostics, LLC DBA Color Health
Classification: Uncertain significance for Hereditary cancer-predisposing syndrome. Last evaluated: 2025-04-14. Review status: criteria provided, single submitter. Criteria: ACMG Guidelines, 2015. Collection method: clinical testing. Allele origin: germline.
Comment: This missense variant replaces arginine with histidine at codon 1589 of the APC protein. Computational prediction suggests that this variant may not impact protein structure and function. To our knowledge, functional studies have not been reported for this variant. This variant has not been reported in individuals affected with APC-related disorders in the literature. This variant has not been identified in the general population by the Genome Aggregation Database (gnomAD). The available evidence is insufficient to determine the role of this variant in disease conclusively. Therefore, this variant is classified as a Variant of Uncertain Significance.

Center for Genomic Medicine, Rigshospitalet, Copenhagen University Hospital
Classification: Uncertain significance. Last evaluated: 2025-03-04. Review status: criteria provided, single submitter. Criteria: ACMG Guidelines, 2015. Collection method: clinical testing. Allele origin: germline.

GeneDx
Classification: Uncertain significance. Last evaluated: 2024-06-10. Review status: criteria provided, single submitter. Criteria: GeneDx Variant Classification Process June 2021. Collection method: clinical testing. Allele origin: germline. Affected: yes.
Comment: Not observed at significant frequency in large population cohorts (gnomAD); In silico analysis indicates that this missense variant does not alter protein structure/function; Observed in an individual with breast cancer (PMID: 26976419); This variant is associated with the following publications: (PMID: 27882345, 18199528, 26976419)

Molecular Pathology, Peter Maccallum Cancer Centre
Classification: Uncertain significance for Familial adenomatous polyposis 1. Last evaluated: 2024-03-14. Review status: criteria provided, single submitter. Criteria: ACMG Guidelines, 2015. Collection method: clinical testing. Allele origin: germline. Inheritance: Autosomal dominant inheritance.

Baylor Genetics
Classification: Uncertain significance for Familial adenomatous polyposis 1. Last evaluated: 2024-01-31. Review status: criteria provided, single submitter. Criteria: ACMG Guidelines, 2015. Collection method: clinical testing. Allele origin: unknown.

All of Us Research Program, National Institutes of Health
Classification: Uncertain significance for Classic or attenuated familial adenomatous polyposis. Last evaluated: 2023-12-13. Review status: criteria provided, single submitter. Criteria: ACMG Guidelines, 2015. Collection method: clinical testing. Allele origin: germline. Inheritance: Autosomal dominant inheritance. Observed: 3 variant alleles, 3 heterozygotes.
Comment: This missense variant replaces arginine with histidine at codon 1589 of the APC protein. Computational prediction suggests that this variant may not impact protein structure and function (internally defined REVEL score threshold <= 0.5, PMID: 27666373). To our knowledge, functional studies have not been reported for this variant. This variant has not been reported in individuals affected with APC-related disorders in the literature. This variant has not been identified in the general population by the Genome Aggregation Database (gnomAD). The available evidence is insufficient to determine the role of this variant in disease conclusively. Therefore, this variant is classified as a Variant of Uncertain Significance.

This study involves interpretation of variants in research participants for the purpose of population health screening. Participant phenotype was not available at the time of variant classification. Additional details can be found in publication PMID: 35346344, PMCID: PMC8962531

Quest Diagnostics Nichols Institute San Juan Capistrano
Classification: Uncertain significance. Last evaluated: 2023-07-18. Review status: criteria provided, single submitter. Criteria: Quest Diagnostics criteria. Collection method: clinical testing. Allele origin: unknown.
Comment: In the published literature, this variant has been reported in an individual with breast cancer (PMID: 26976419 (2016)). The frequency of this variant in the general population, 0.0000066 (1/152154 chromosomes (Genome Aggregation Database)), is uninformative in the assessment of its pathogenicity. Analysis of this variant using bioinformatics tools for the prediction of the effect of amino acid changes on protein structure and function yielded predictions that this variant is benign. Based on the available information, we are unable to determine the clinical significance of this variant.

Ambry Genetics
Classification: Benign for Hereditary cancer-predisposing syndrome. Last evaluated: 2021-09-07. Review status: criteria provided, single submitter. Criteria: Ambry Variant Classification Scheme 2023. Collection method: clinical testing. Allele origin: germline.

Literature cited by the submitters: PubMed 26976419 (cited by 3 submitters).